The following is an entry in ClinVar:

ClinVar aggregate classification (germline): Likely benign (1 of 4 stars; one submission).

Allele frequency attached by ClinVar (database versions not stated): gnomAD exomes 0.00029; ExAC 0.00165; ESP Exome Variant Server 0.00221; gnomAD 0.00264; 1000 Genomes Project 0.00339; TOPMed 0.00351; 1000 Genomes Project 30x 0.00375.
gnomAD v4.1: 861 of 1,592,760 alleles (0.054%); highest among the groups gnomAD compares: African/African-American, 0.96%; 6 homozygotes.

Submission:

CeGaT Center for Human Genetics Tuebingen
Classification: Likely benign. Last evaluated: 2023-02-01. Review status: criteria provided, single submitter. Criteria: CeGaT Center For Human Genetics Tuebingen Variant Classification Criteria Version 2. Collection method: clinical testing. Allele origin: germline. Affected: yes. Observed: 1 variant allele.
Comment: MYBPC2: BP4, BP7, BS2

NM_004533.4(MYBPC2):c.1627T>C (p.Leu543=)

Gene: MYBPC2 (myosin binding protein C2; plus strand). Cytogenetic location: 19q13.33.
Variant type: single nucleotide variant.
Coding change: c.1627T>C on transcript NM_004533.4 (MANE Select); coding-DNA position 1627, T replaced by C.
Protein change: p.Leu543=; no amino-acid change (leucine 543 retained).
Molecular consequence: synonymous variant.
Genome position (GRCh38, 1-based): chr19:50,451,881, T>C. VCF-style: chr19-50451881-T-C. GRCh37 (hg19) VCF-style: chr19-50955138-T-C.
Identifiers: ClinVar variation 2650335 (VCV002650335.24), dbSNP rs138901811, ClinGen allele CA9597801.